The following is an entry in ClinVar:

ClinVar aggregate classification (germline): Uncertain significance (1 of 4 stars; one submission).

Conditions:
Hereditary cancer-predisposing syndrome. Also called: Tumor predisposition; Hereditary Cancer Syndrome; Neoplastic Syndromes, Hereditary; Hereditary neoplastic syndrome. Identifiers: Orphanet 140162, MedGen C0027672, MeSH D009386, MONDO:0015356.

Submission:

Ambry Genetics
Classification: Uncertain significance for Hereditary cancer-predisposing syndrome. Last evaluated: 2021-10-18. Review status: criteria provided, single submitter. Criteria: Ambry Variant Classification Scheme 2023. Collection method: clinical testing. Allele origin: germline.
Comment: The p.R848S variant (also known as c.2544A>T) is located in coding exon 19 of the MSH3 gene. The arginine at codon 848 is replaced by serine, an amino acid with dissimilar properties. This change occurs in the first base pair of coding exon 19. This amino acid position is conserved. In addition, this alteration is predicted to be deleterious by in silico analysis. Since supporting evidence is limited at this time, the clinical significance of this alteration remains unclear.

NM_002439.5(MSH3):c.2544A>T (p.Arg848Ser)

Gene: MSH3 (mutS homolog 3; plus strand). Cytogenetic location: 5q14.1.
Variant type: single nucleotide variant.
Coding change: c.2544A>T on transcript NM_002439.5 (MANE Select); coding-DNA position 2544, A replaced by T.
Protein change: p.Arg848Ser; replaces arginine 848 with serine.
Molecular consequence: missense variant.
Genome position (GRCh38, 1-based): chr5:80,792,733, A>T. VCF-style: chr5-80792733-A-T. GRCh37 (hg19) VCF-style: chr5-80088552-A-T.
Other names: short protein forms R848S.
Identifiers: ClinVar variation 1792863 (VCV001792863.2), dbSNP rs1744629354, ClinGen allele CA360272824.
Genomic context (GRCh38, chr5:80,792,733, plus strand): 5'-AGTTTTTTTTTTAAGGCTATTTCCATGCCTAGTAAATTGAAACATATTTCTTTTTTGCAG[A>T]CCAACTGTACAAGAAGAAAGAAAAATTGTAATAAAAAATGGAAGGCACCCTGTGATTGAT-3'
Protein context (NP_002430.3, residues 838-858): AKVAKQGDYC[Arg848Ser]PTVQEERKIV